The following is an entry in ClinVar:

NM_006514.4(SCN10A):c.1433G>T (p.Arg478Leu)

Gene: SCN10A (sodium voltage-gated channel alpha subunit 10; minus strand). Cytogenetic location: 3p22.2.
Variant type: single nucleotide variant.
Coding change: c.1433G>T on transcript NM_006514.4 (MANE Select); coding-DNA position 1433, G replaced by T.
Protein change: p.Arg478Leu; replaces arginine 478 with leucine.
Molecular consequence: missense variant.
Genome position (GRCh38, 1-based): chr3:38,755,816, C>A on the plus strand (G>T on the coding strand, the complement: SCN10A is on the minus strand). VCF-style: chr3-38755816-C-A. GRCh37 (hg19) VCF-style: chr3-38797307-C-A.
Other names: c.1433G>T, p.Arg478Leu (NM_001293306.2, NM_001293307.2); c.1433G>T (NM_006514.2); short protein forms R478L.
Identifiers: ClinVar variation 1906177 (VCV001906177.7), dbSNP rs1553620983, ClinGen allele CA352168766.
Genomic context (GRCh38, chr3:38,755,816, plus strand): 5'-TAATCTTTAGAGCACAAACCTGAGCCTCTTACCATCCTGCGCTGGTTGTAAGGATCAGAG[C>A]GGGGTGATTTGTTGTCTTCTGTGGAGCCCTCTGACACTCTTGGCTTTATTCTATGCCTTC-3'
Protein context (NP_006505.4, residues 468-488): EGSTEDNKSP[Arg478Leu]SDPYNQRRMS

ClinVar aggregate classification (germline): Uncertain significance. Review status: criteria provided, multiple submitters, no conflicts (2 of 4 stars). 2 submissions from 2 submitters: Uncertain significance (2). Last evaluated 2023-05-12.

Conditions:
Cardiovascular phenotype. Identifiers: MedGen CN230736.
Brugada syndrome. Also called: Sudden unexpected nocturnal death syndrome; Sudden Unexplained Death Syndrome; Sudden Unexplained Nocturnal Death Syndrome (SUNDS); Sudden unexplained nocturnal death syndrome. Identifiers: Orphanet 130, MedGen C1142166, MONDO:0015263.

Allele frequency attached by ClinVar (database versions not stated): TOPMed below 0.00001.
gnomAD v4.1: 1 of 1,613,930 alleles (0.000062%); highest among the groups gnomAD compares: Non-Finnish European, 0.000085%; no homozygotes.

Submissions (2):

Ambry Genetics
Classification: Uncertain significance for Cardiovascular phenotype. Last evaluated: 2023-05-12. Review status: criteria provided, single submitter. Criteria: Ambry Variant Classification Scheme 2023. Collection method: clinical testing. Allele origin: germline.
Comment: The p.R478L variant (also known as c.1433G>T), located in coding exon 10 of the SCN10A gene, results from a G to T substitution at nucleotide position 1433. The arginine at codon 478 is replaced by leucine, an amino acid with dissimilar properties. This amino acid position is conserved. In addition, this alteration is predicted to be tolerated by in silico analysis. Since supporting evidence is limited at this time, the clinical significance of this alteration remains unclear.

Labcorp Genetics (formerly Invitae), Labcorp
Classification: Uncertain significance for Brugada syndrome. Last evaluated: 2022-06-03. Review status: criteria provided, single submitter. Criteria: Invitae Variant Classification Sherloc (09022015). Collection method: clinical testing. Allele origin: germline.
Comment: This sequence change replaces arginine, which is basic and polar, with leucine, which is neutral and non-polar, at codon 478 of the SCN10A protein (p.Arg478Leu). This variant is not present in population databases (gnomAD no frequency). This variant has not been reported in the literature in individuals affected with SCN10A-related conditions. Advanced modeling of protein sequence and biophysical properties (such as structural, functional, and spatial information, amino acid conservation, physicochemical variation, residue mobility, and thermodynamic stability) performed at Invitae indicates that this missense variant is not expected to disrupt SCN10A protein function. In summary, the available evidence is currently insufficient to determine the role of this variant in disease. Therefore, it has been classified as a Variant of Uncertain Significance.